The following is an entry in ClinVar:

NM_002471.4(MYH6):c.5400C>G (p.Asp1800Glu)

Gene: MYH6 (myosin heavy chain 6; minus strand). Cytogenetic location: 14q11.2.
Variant type: single nucleotide variant.
Coding change: c.5400C>G on transcript NM_002471.4 (MANE Select); coding-DNA position 5400, C replaced by G.
Protein change: p.Asp1800Glu; replaces aspartic acid 1800 with glutamic acid.
Molecular consequence: missense variant.
Genome position (GRCh38, 1-based): chr14:23,384,607, G>C on the plus strand (C>G on the coding strand, the complement: MYH6 is on the minus strand). VCF-style: chr14-23384607-G-C. GRCh37 (hg19) VCF-style: chr14-23853816-G-C.
Other names: short protein forms D1800E.
Identifiers: ClinVar variation 2567187 (VCV002567187.3), dbSNP rs144329079, ClinGen allele CA388984671.
Genomic context (GRCh38, chr14:23,384,607, plus strand): 5'-CCGCGCTTCCAGCTTCTGCAGCTGCTTCTTGCCTCCCTTGAGGGCGATCTGCTCGGCCTC[G>C]TCCAGCCGGTGCTGCAGGTCCTTAATGGTCTGCTCCATGTTCTTCTTCATGCGCTCCAGG-3'
Protein context (NP_002462.2, residues 1790-1810): QTIKDLQHRL[Asp1800Glu]EAEQIALKGG

ClinVar aggregate classification (germline): Uncertain significance. Review status: criteria provided, multiple submitters, no conflicts (2 of 4 stars). 2 submissions from 2 submitters: Uncertain significance (2). Last evaluated 2025-09-02.

Conditions:
Cardiovascular phenotype. Identifiers: MedGen CN230736.
Hypertrophic cardiomyopathy 14. Identifiers: MedGen C2750467, MONDO:0013197, OMIM 613251.

Submissions (2):

Labcorp Genetics (formerly Invitae), Labcorp
Classification: Uncertain significance for Hypertrophic cardiomyopathy 14. Last evaluated: 2025-09-02. Review status: criteria provided, single submitter. Criteria: Invitae Variant Classification Sherloc (09022015). Collection method: clinical testing. Allele origin: germline.
Comment: This sequence change replaces aspartic acid, which is acidic and polar, with glutamic acid, which is acidic and polar, at codon 1800 of the MYH6 protein (p.Asp1800Glu). This variant is present in population databases (no rsID available, gnomAD 0.0009%). This variant has not been reported in the literature in individuals affected with MYH6-related conditions. ClinVar contains an entry for this variant (Variation ID: 2567187). Invitae Evidence Modeling of protein sequence and biophysical properties (such as structural, functional, and spatial information, amino acid conservation, physicochemical variation, residue mobility, and thermodynamic stability) indicates that this missense variant is not expected to disrupt MYH6 protein function with a negative predictive value of 80%. In summary, the available evidence is currently insufficient to determine the role of this variant in disease. Therefore, it has been classified as a Variant of Uncertain Significance.

Ambry Genetics
Classification: Uncertain significance for Cardiovascular phenotype. Last evaluated: 2023-03-29. Review status: criteria provided, single submitter. Criteria: Ambry Variant Classification Scheme 2023. Collection method: clinical testing. Allele origin: germline.
Comment: The p.D1800E variant (also known as c.5400C>G), located in coding exon 34 of the MYH6 gene, results from a C to G substitution at nucleotide position 5400. The aspartic acid at codon 1800 is replaced by glutamic acid, an amino acid with highly similar properties. This amino acid position is highly conserved in available vertebrate species. In addition, the in silico prediction for this alteration is inconclusive. Since supporting evidence is limited at this time, the clinical significance of this alteration remains unclear.